The following is an entry in ClinVar:

NM_001288705.3(CSF1R):c.2614G>A (p.Gly872Arg)

Gene: CSF1R (colony stimulating factor 1 receptor; minus strand). Cytogenetic location: 5q32.
Variant type: single nucleotide variant.
Coding change: c.2614G>A on transcript NM_001288705.3 (MANE Select); coding-DNA position 2614, G replaced by A.
Protein change: p.Gly872Arg; replaces glycine 872 with arginine.
Molecular consequence: missense variant. On other transcripts: non-coding transcript variant (2).
Genome position (GRCh38, 1-based): chr5:150,055,277, C>T on the plus strand (G>A on the coding strand, the complement: CSF1R is on the minus strand). VCF-style: chr5-150055277-C-T. GRCh37 (hg19) VCF-style: chr5-149434840-C-T.
Other names: c.2614G>A (NM_005211.3); c.2614G>A, p.Gly872Arg (NM_001349736.2, NM_001375320.1, NM_005211.4); c.2170G>A, p.Gly724Arg (NM_001375321.1); short protein forms G872R, G724R.
Identifiers: ClinVar variation 2081112 (VCV002081112.5), dbSNP rs2480942804, ClinGen allele CA361757957.
Genomic context (GRCh38, chr5:150,055,277, plus strand): 5'-CCTGGGATCCCTTCGCTTACATATTCTTTGGGGCAAATGCAGGCTGGGCCATTTGGTATC[C>T]ATCCTTCACCAGTTTATAGAACTTGCTGTTCACCAGGATGCCAGGGTAGGGATTCAGCCC-3'
Protein context (NP_001275634.1, residues 862-882): NSKFYKLVKD[Gly872Arg]YQMAQPAFAP

ClinVar aggregate classification (germline): Uncertain significance. Review status: criteria provided, multiple submitters, no conflicts (2 of 4 stars). 2 submissions from 2 submitters: Uncertain significance (2). Last evaluated 2023-02-24.

Submissions (2):

GeneDx
Classification: Uncertain significance. Last evaluated: 2023-02-24. Review status: criteria provided, single submitter. Criteria: GeneDx Variant Classification Process June 2021. Collection method: clinical testing. Allele origin: germline. Affected: yes.
Comment: Not observed at significant frequency in large population cohorts (gnomAD); In silico analysis supports that this missense variant has a deleterious effect on protein structure/function; This variant is associated with the following publications: (PMID: 35812083)

Labcorp Genetics (formerly Invitae), Labcorp
Classification: Uncertain significance. Last evaluated: 2022-03-29. Review status: criteria provided, single submitter. Criteria: Invitae Variant Classification Sherloc (09022015). Collection method: clinical testing. Allele origin: germline.
Comment: In summary, the available evidence is currently insufficient to determine the role of this variant in disease. Therefore, it has been classified as a Variant of Uncertain Significance. Advanced modeling of protein sequence and biophysical properties (such as structural, functional, and spatial information, amino acid conservation, physicochemical variation, residue mobility, and thermodynamic stability) performed at Invitae indicates that this missense variant is expected to disrupt CSF1R protein function. This missense change has been observed in individual(s) with clinical features of autosomal dominant CSF1R-related conditions (Invitae). This variant is not present in population databases (gnomAD no frequency). This sequence change replaces glycine, which is neutral and non-polar, with arginine, which is basic and polar, at codon 872 of the CSF1R protein (p.Gly872Arg).